The following is an entry in ClinVar:

NM_004525.3(LRP2):c.11888A>T (p.Asn3963Ile)

Gene: LRP2 (LDL receptor related protein 2; minus strand). Cytogenetic location: 2q31.1.
Variant type: single nucleotide variant.
Coding change: c.11888A>T on transcript NM_004525.3 (MANE Select); coding-DNA position 11888, A replaced by T.
Protein change: p.Asn3963Ile; replaces asparagine 3963 with isoleucine.
Molecular consequence: missense variant.
Genome position (GRCh38, 1-based): chr2:169,157,502, T>A on the plus strand (A>T on the coding strand, the complement: LRP2 is on the minus strand). VCF-style: chr2-169157502-T-A. GRCh37 (hg19) VCF-style: chr2-170014012-T-A.
Other names: short protein forms N3963I.
Identifiers: ClinVar variation 1462351 (VCV001462351.6), dbSNP rs2105363219, ClinGen allele CA349138508.

ClinVar aggregate classification (germline): Uncertain significance (1 of 4 stars; one submission).

Submission:

Labcorp Genetics (formerly Invitae), Labcorp
Classification: Uncertain significance. Last evaluated: 2022-07-19. Review status: criteria provided, single submitter. Criteria: Invitae Variant Classification Sherloc (09022015). Collection method: clinical testing. Allele origin: germline.
Comment: In summary, the available evidence is currently insufficient to determine the role of this variant in disease. Therefore, it has been classified as a Variant of Uncertain Significance. Algorithms developed to predict the effect of sequence changes on RNA splicing suggest that this variant may disrupt the consensus splice site. Algorithms developed to predict the effect of missense changes on protein structure and function are either unavailable or do not agree on the potential impact of this missense change (SIFT: "Deleterious"; PolyPhen-2: "Possibly Damaging"; Align-GVGD: "Class C15"). ClinVar contains an entry for this variant (Variation ID: 1462351). This variant has not been reported in the literature in individuals affected with LRP2-related conditions. This variant is not present in population databases (gnomAD no frequency). This sequence change replaces asparagine, which is neutral and polar, with isoleucine, which is neutral and non-polar, at codon 3963 of the LRP2 protein (p.Asn3963Ile).